The following is an entry in ClinVar:

ClinVar aggregate classification (germline): Uncertain significance (1 of 4 stars; one submission).

Conditions:
DiGeorge syndrome. Also called: Catch22; THIRD AND FOURTH PHARYNGEAL POUCH SYNDROME. Identifiers: Orphanet 567, MedGen C0012236, MONDO:0008564, OMIM 188400.

Submission:

Labcorp Genetics (formerly Invitae), Labcorp
Classification: Uncertain significance for DiGeorge syndrome. Last evaluated: 2023-11-27. Review status: criteria provided, single submitter. Criteria: Invitae Variant Classification Sherloc (09022015). Collection method: clinical testing. Allele origin: germline.
Comment: This sequence change replaces leucine, which is neutral and non-polar, with proline, which is neutral and non-polar, at codon 365 of the TBX1 protein (p.Leu365Pro). This variant is not present in population databases (gnomAD no frequency). This variant has not been reported in the literature in individuals affected with TBX1-related conditions. An algorithm developed to predict the effect of missense changes on protein structure and function (PolyPhen-2) suggests that this variant is likely to be tolerated. In summary, the available evidence is currently insufficient to determine the role of this variant in disease. Therefore, it has been classified as a Variant of Uncertain Significance.

NM_001379200.1(TBX1):c.1121T>C (p.Leu374Pro)

Gene: TBX1 (T-box transcription factor 1; plus strand). Cytogenetic location: 22q11.21.
Variant type: single nucleotide variant.
Coding change: c.1121T>C on transcript NM_001379200.1 (MANE Select); coding-DNA position 1121, T replaced by C.
Protein change: p.Leu374Pro; replaces leucine 374 with proline.
Molecular consequence: missense variant. On other transcripts: intron variant (2).
Genome position (GRCh38, 1-based): chr22:19,766,473, T>C. VCF-style: chr22-19766473-T-C. GRCh37 (hg19) VCF-style: chr22-19753996-T-C.
Other names: c.1094T>C, p.Leu365Pro (NM_080647.1); c.1009+471T>C (NM_005992.1, NM_080646.2); short protein forms L374P, L365P.
Identifiers: ClinVar variation 2749857 (VCV002749857.3), dbSNP rs2517857660, ClinGen allele CA410684196.